The following is an entry in ClinVar:

ClinVar aggregate classification (germline): Uncertain significance (1 of 4 stars; one submission).

Allele frequency attached by ClinVar (database versions not stated): gnomAD exomes 0.00001.
gnomAD v4.1: 3 of 1,611,962 alleles (0.00019%); highest among the groups gnomAD compares: Admixed American, 0.0033%; no homozygotes.

Submission:

Labcorp Genetics (formerly Invitae), Labcorp
Classification: Uncertain significance. Last evaluated: 2024-11-27. Review status: criteria provided, single submitter. Criteria: Invitae Variant Classification Sherloc (09022015). Collection method: clinical testing. Allele origin: germline.
Comment: This sequence change falls in intron 31 of the HMCN1 gene. It does not directly change the encoded amino acid sequence of the HMCN1 protein. It affects a nucleotide within the consensus splice site. This variant is present in population databases (no rsID available, gnomAD 0.003%). This variant has not been reported in the literature in individuals affected with HMCN1-related conditions. ClinVar contains an entry for this variant (Variation ID: 3013153). Variants that disrupt the consensus splice site are a relatively common cause of aberrant splicing (PMID: 17576681, 9536098). Algorithms developed to predict the effect of sequence changes on RNA splicing suggest that this variant is not likely to affect RNA splicing. In summary, the available evidence is currently insufficient to determine the role of this variant in disease. Therefore, it has been classified as a Variant of Uncertain Significance.

Literature cited by the submitters: PubMed 17576681; PubMed 9536098.

NM_031935.3(HMCN1):c.4909+6G>A

Gene: HMCN1 (hemicentin 1; plus strand). Cytogenetic location: 1q31.1.
Variant type: single nucleotide variant.
Coding change: c.4909+6G>A on transcript NM_031935.3 (MANE Select); 6 bases into the intron after coding-DNA position 4909, G replaced by A.
Molecular consequence: intron variant.
Genome position (GRCh38, 1-based): chr1:186,015,443, G>A. VCF-style: chr1-186015443-G-A. GRCh37 (hg19) VCF-style: chr1-185984575-G-A.
Identifiers: ClinVar variation 3013153 (VCV003013153.3), dbSNP rs944760993, ClinGen allele CA33453733.
Genomic context (GRCh38, chr1:186,015,443, plus strand): 5'-CATGTAGCCAATGTTGCTGGAACTGCTGAAAAATCATTCCATGTGGATGTCTATGGTGAG[G>A]AACAACATATGCTTTAATTATATACCTTTCTACCTATGCTTTCTAATAGGCAAATATCGA-3'